The following is an entry in ClinVar:

NM_001267550.2(TTN):c.103238A>G (p.His34413Arg)

Genes: TTN (titin; minus strand), TTN-AS1 (TTN antisense RNA 1; plus strand). Cytogenetic location: 2q31.2.
Variant type: single nucleotide variant.
Coding change: c.103238A>G on transcript NM_001267550.2 (MANE Select); coding-DNA position 103238, A replaced by G.
Protein change: p.His34413Arg; replaces histidine 34413 with arginine.
Molecular consequence: missense variant.
Genome position (GRCh38, 1-based): chr2:178,533,377, T>C on the plus strand (A>G on the coding strand, the complement: TTN is on the minus strand). VCF-style: chr2-178533377-T-C. GRCh37 (hg19) VCF-style: chr2-179398104-T-C.
Other names: c.98315A>G, p.His32772Arg (NM_001256850.1); c.76043A>G, p.His25348Arg (NM_003319.4); c.95534A>G, p.His31845Arg (NM_133378.4); c.76418A>G, p.His25473Arg (NM_133432.3); c.76619A>G, p.His25540Arg (NM_133437.4); short protein forms H25348R, H25473R, H25540R, H31845R, H32772R, H34413R.
Identifiers: ClinVar variation 3760870 (VCV003760870.3).
Genomic context (GRCh38, chr2:178,533,377, plus strand): 5'-TAACCCGTGTCTTCAGGCAAAGTGTCCCTGATGTGCAGAGCATAATAATCCAAGCCTTCA[T>C]GGATAATTTCAATGTTAGGCCCGAGGGACAGTGGCTGACCATCTTTCTCCCATTTTAATG-3'
Protein context (NP_001254479.2, residues 34403-34423): LSLGPNIEII[His34413Arg]EGLDYYALHI

ClinVar aggregate classification (germline): Conflicting classifications of pathogenicity. Review status: criteria provided, conflicting classifications (1 of 4 stars). 2 submissions from 2 submitters: Uncertain significance (1); Likely benign (1). Last evaluated 2024-11-11.

Conditions:
Dilated cardiomyopathy 1G (CMD1G). Identifiers: Orphanet 154, MedGen C1858763, MONDO:0011400, OMIM 604145.
Autosomal recessive limb-girdle muscular dystrophy type 2J (LGMDR10). Also called: Limb-girdle muscular dystrophy, type 2J; MUSCULAR DYSTROPHY, LIMB-GIRDLE, AUTOSOMAL RECESSIVE 10. Identifiers: Orphanet 140922, MedGen C1837342, MONDO:0012127, OMIM 608807.

gnomAD v4.1: 95 of 1,613,514 alleles (0.0059%); highest among the groups gnomAD compares: South Asian, 0.0011%; no homozygotes.

Submissions (2):

Blueprint Genetics
Classification: Likely benign. Last evaluated: 2024-11-11. Review status: criteria provided, single submitter. Criteria: ACMG Guidelines, 2015. Collection method: clinical testing. Allele origin: germline.

Labcorp Genetics (formerly Invitae), Labcorp
Classification: Uncertain significance for Dilated cardiomyopathy 1G; Autosomal recessive limb-girdle muscular dystrophy type 2J. Last evaluated: 2024-06-08. Review status: criteria provided, single submitter. Criteria: Invitae Variant Classification Sherloc (09022015). Collection method: clinical testing. Allele origin: germline.
Comment: This sequence change replaces histidine, which is basic and polar, with arginine, which is basic and polar, at codon 34413 of the TTN protein (p.His34413Arg). This variant is present in population databases (rs778415445, gnomAD 0.1%). This variant has not been reported in the literature in individuals affected with TTN-related conditions. Experimental studies and prediction algorithms are not available or were not evaluated, and the functional significance of this variant is currently unknown. This variant is located in the M band of TTN (PMID: 25589632). Non-truncating variants in this region may be relevant for neuromuscular disorders, but have not been definitively shown to cause cardiomyopathy (PMID: 23975875). In summary, the available evidence is currently insufficient to determine the role of this variant in disease. Therefore, it has been classified as a Variant of Uncertain Significance.

Literature cited by the submitters: PubMed 25589632 (cited by Labcorp Genetics (formerly Invitae), Labcorp); PubMed 23975875 (cited by Labcorp Genetics (formerly Invitae), Labcorp).